The following is an entry in ClinVar:

ClinVar aggregate classification (germline): Uncertain significance (1 of 4 stars; one submission).

Submission:

Labcorp Genetics (formerly Invitae), Labcorp
Classification: Uncertain significance. Last evaluated: 2023-11-19. Review status: criteria provided, single submitter. Criteria: Invitae Variant Classification Sherloc (09022015). Collection method: clinical testing. Allele origin: germline.
Comment: This sequence change replaces arginine, which is basic and polar, with leucine, which is neutral and non-polar, at codon 1172 of the CYFIP2 protein (p.Arg1172Leu). This variant is not present in population databases (gnomAD no frequency). This variant has not been reported in the literature in individuals affected with CYFIP2-related conditions. Experimental studies and prediction algorithms are not available or were not evaluated, and the functional significance of this variant is currently unknown. In summary, the available evidence is currently insufficient to determine the role of this variant in disease. Therefore, it has been classified as a Variant of Uncertain Significance.

NM_001037333.3(CYFIP2):c.3515G>T (p.Arg1172Leu)

Genes: CYFIP2 (cytoplasmic FMR1 interacting protein 2; plus strand), NIPAL4-DT (NIPAL4 divergent transcript; minus strand), LOC126807569 (P300/CBP strongly-dependent group 1 enhancer GRCh37_chr5:156817055-156818254; plus strand). Cytogenetic location: 5q33.3.
Variant type: single nucleotide variant.
Coding change: c.3515G>T on transcript NM_001037333.3 (MANE Select); coding-DNA position 3515, G replaced by T.
Protein change: p.Arg1172Leu; replaces arginine 1172 with leucine.
Molecular consequence: missense variant.
Genome position (GRCh38, 1-based): chr5:157,390,589, G>T. VCF-style: chr5-157390589-G-T. GRCh37 (hg19) VCF-style: chr5-156817597-G-T.
Other names: c.3437G>T, p.Arg1146Leu (NM_001291721.2); c.3590G>T, p.Arg1197Leu (NM_001291722.2); c.3515G>T, p.Arg1172Leu (NM_014376.4); short protein forms R1197L, R1146L, R1172L.
Identifiers: ClinVar variation 3000559 (VCV003000559.3), dbSNP rs1445791014, ClinGen allele CA361982835.
Genomic context (GRCh38, chr5:157,390,589, plus strand): 5'-TCGGCGATGGCTTGAACTGGGCTGGTTGCTCCATCATTGTCCTGCTGGGCCAGCAGCGTC[G>T]CTTTGACCTGTTCGACTTCTGTTACCACCTGCTAAAAGTGCAGAGGCAGGACGGGAAGGA-3'
Protein context (NP_001032410.1, residues 1162-1182): SIIVLLGQQR[Arg1172Leu]FDLFDFCYHL